The following is an entry in ClinVar:

ClinVar aggregate classification (germline): Likely pathogenic. Review status: criteria provided, multiple submitters, no conflicts (2 of 4 stars). 2 submissions from 2 submitters: Likely pathogenic (2). Last evaluated 2025-02-06.

Conditions:
Autosomal dominant distal renal tubular acidosis (DRTA1). Also called: Renal Tubular Acidosis, Type I; RTA, CLASSIC TYPE; RTA, DISTAL TYPE, AUTOSOMAL DOMINANT; RTA, GRADIENT TYPE; RENAL TUBULAR ACIDOSIS, DISTAL, 1. Identifiers: Orphanet 93608, MedGen CN280572, MONDO:0008368, OMIM 179800.

Submissions (2):

Labcorp Genetics (formerly Invitae), Labcorp
Classification: Likely pathogenic. Last evaluated: 2025-02-06. Review status: criteria provided, single submitter. Criteria: Invitae Variant Classification Sherloc (09022015). Collection method: clinical testing. Allele origin: germline.
Comment: This sequence change creates a premature translational stop signal (p.Tyr904*) in the SLC4A1 gene. While this is not anticipated to result in nonsense mediated decay, it is expected to disrupt the last 8 amino acid(s) of the SLC4A1 protein. This variant is not present in population databases (gnomAD no frequency). This variant has not been reported in the literature in individuals affected with SLC4A1-related conditions. ClinVar contains an entry for this variant (Variation ID: 3236234). This variant is located in a region of the SLC4A1 protein where a significant number SLC4A1 nonsense and frameshift mutations have been reported in association with autosomal dominant distal renal tubular acidosis (PMID: 9600966, 20960171, 31672324, 35738466). In summary, the currently available evidence indicates that the variant is pathogenic, but additional data are needed to prove that conclusively. Therefore, this variant has been classified as Likely Pathogenic.

MVZ Medizinische Genetik Mainz
Classification: Likely pathogenic for Autosomal dominant distal renal tubular acidosis. Last evaluated: 2023-04-26. Review status: criteria provided, single submitter. Criteria: UK Practice Guidelines For Variant Classification V4 01 2020. Collection method: clinical testing. Allele origin: germline. Inheritance: Autosomal dominant inheritance. Affected: yes. Observed: 1 variant allele.
Comment: ACMG Criteria: PVS1_STR,PM2_SUP,PP4

Literature cited by the submitters: PubMed 9600966 (cited by Labcorp Genetics (formerly Invitae), Labcorp); PubMed 20960171 (cited by Labcorp Genetics (formerly Invitae), Labcorp); PubMed 31672324 (cited by Labcorp Genetics (formerly Invitae), Labcorp); PubMed 35738466 (cited by Labcorp Genetics (formerly Invitae), Labcorp).

NM_000342.4(SLC4A1):c.2712C>G (p.Tyr904Ter)

Gene: SLC4A1 (solute carrier family 4 member 1 (Diego blood group); minus strand). Cytogenetic location: 17q21.31.
Variant type: single nucleotide variant.
Coding change: c.2712C>G on transcript NM_000342.4 (MANE Select); coding-DNA position 2712, C replaced by G.
Protein change: p.Tyr904Ter; replaces tyrosine 904 with a stop codon.
Molecular consequence: nonsense.
Genome position (GRCh38, 1-based): chr17:44,250,482, G>C on the plus strand (C>G on the coding strand, the complement: SLC4A1 is on the minus strand). VCF-style: chr17-44250482-G-C. GRCh37 (hg19) VCF-style: chr17-42327850-G-C.
Other names: short protein forms Y904*.
Identifiers: ClinVar variation 3236234 (VCV003236234.3), dbSNP rs45519733, ClinGen allele CA399778945.